The following is an entry in ClinVar:

ClinVar aggregate classification (germline): Uncertain significance. Review status: criteria provided, multiple submitters, no conflicts (2 of 4 stars). 3 submissions from 3 submitters: Uncertain significance (3). Last evaluated 2025-06-12.

Conditions:
Inborn genetic diseases. Identifiers: MedGen C0950123, MeSH D030342.
Combined immunodeficiency due to LRBA deficiency. Also called: Common variable immunodeficiency 8, with autoimmunity. Identifiers: Orphanet 445018, MedGen C3553512, MONDO:0013863, OMIM 614700.

Allele frequency attached by ClinVar (database versions not stated): TOPMed below 0.00001; gnomAD exomes 0.00003; ExAC 0.00004.
gnomAD v4.1: 41 of 1,614,096 alleles (0.0025%); highest among the groups gnomAD compares: Middle Eastern, 0.016%; no homozygotes.

Submissions (3):

Labcorp Genetics (formerly Invitae), Labcorp
Classification: Uncertain significance for Combined immunodeficiency due to LRBA deficiency. Last evaluated: 2025-06-12. Review status: criteria provided, single submitter. Criteria: Invitae Variant Classification Sherloc (09022015). Collection method: clinical testing. Allele origin: germline.
Comment: This sequence change replaces arginine, which is basic and polar, with glutamine, which is neutral and polar, at codon 2806 of the LRBA protein (p.Arg2806Gln). This variant is present in population databases (rs765055573, gnomAD 0.004%). This variant has not been reported in the literature in individuals affected with LRBA-related conditions. ClinVar contains an entry for this variant (Variation ID: 962504). Invitae Evidence Modeling of protein sequence and biophysical properties (such as structural, functional, and spatial information, amino acid conservation, physicochemical variation, residue mobility, and thermodynamic stability) indicates that this missense variant is not expected to disrupt LRBA protein function with a negative predictive value of 80%. In summary, the available evidence is currently insufficient to determine the role of this variant in disease. Therefore, it has been classified as a Variant of Uncertain Significance.

Ambry Genetics
Classification: Uncertain significance for Inborn genetic diseases. Last evaluated: 2025-04-21. Review status: criteria provided, single submitter. Criteria: Ambry Variant Classification Scheme 2023. Collection method: clinical testing. Allele origin: germline.

Blueprint Genetics
Classification: Uncertain significance. Last evaluated: 2024-07-11. Review status: criteria provided, single submitter. Criteria: ACMG Guidelines, 2015. Collection method: clinical testing. Allele origin: germline.

NM_001364905.1(LRBA):c.8384G>A (p.Arg2795Gln)

Gene: LRBA (LPS responsive beige-like anchor protein; minus strand). Cytogenetic location: 4q31.3.
Variant type: single nucleotide variant.
Coding change: c.8384G>A on transcript NM_001364905.1 (MANE Select); coding-DNA position 8384, G replaced by A.
Protein change: p.Arg2795Gln; replaces arginine 2795 with glutamine.
Molecular consequence: missense variant.
Genome position (GRCh38, 1-based): chr4:150,277,937, C>T on the plus strand (G>A on the coding strand, the complement: LRBA is on the minus strand). VCF-style: chr4-150277937-C-T. GRCh37 (hg19) VCF-style: chr4-151199089-C-T.
Other names: c.8381G>A, p.Arg2794Gln (NM_001199282.3); c.8399G>A, p.Arg2800Gln (NM_001367550.1); c.8417G>A, p.Arg2806Gln (NM_006726.5); short protein forms R2794Q, R2806Q, R2795Q, R2800Q.
Identifiers: ClinVar variation 962504 (VCV000962504.10), dbSNP rs765055573, ClinGen allele CA3101358.
Genomic context (GRCh38, chr4:150,277,937, plus strand): 5'-GCCCGGATTCCAGCGTCACATCCTGGATAGGCAAAGAGCTGCTTGAGGTCCGACACCTGC[C>T]GGACCACGACCACTCCTCTGTCTCCTCCTGTGAGCAGGTACTGCCCATCTCGGCTCAGCT-3'
Protein context (NP_001351834.1, residues 2785-2805): TGGDRGVVVV[Arg2795Gln]QVSDLKQLFA